The following is an entry in ClinVar:

NM_138817.3(SLC7A13):c.551G>C (p.Arg184Thr)

Gene: SLC7A13 (solute carrier family 7 member 13; minus strand). Cytogenetic location: 8q21.3.
Variant type: single nucleotide variant.
Coding change: c.551G>C on transcript NM_138817.3 (MANE Select); coding-DNA position 551, G replaced by C.
Protein change: p.Arg184Thr; replaces arginine 184 with threonine.
Molecular consequence: missense variant.
Genome position (GRCh38, 1-based): chr8:86,229,727, C>G on the plus strand (G>C on the coding strand, the complement: SLC7A13 is on the minus strand). VCF-style: chr8-86229727-C-G. GRCh37 (hg19) VCF-style: chr8-87241956-C-G.
Other names: short protein forms R184T.
Identifiers: ClinVar variation 3014023 (VCV003014023.3), dbSNP rs1820449647, ClinGen allele CA371434995.
Genomic context (GRCh38, chr8:86,229,727, plus strand): 5'-ATATCTGGAAGTTCAGCATCAAAAGCATTCTGAAATCGTTCTACATTCTCCTTTTTCCCT[C>G]TTATCAGGAACACTACTCCAGTTAGGGAAATGAAGCTAAGTATGGACACTTTCAGCACTG-3'
Protein context (NP_620172.2, residues 174-194): ISLTGVVFLI[Arg184Thr]GKKENVERFQ

ClinVar aggregate classification (germline): Uncertain significance (1 of 4 stars; one submission).

Allele frequency attached by ClinVar (database versions not stated): gnomAD 0.00001.
gnomAD v4.1: 1 of 1,614,028 alleles (0.000062%); highest among the groups gnomAD compares: Non-Finnish European, 0.000085%; no homozygotes.

Submission:

Labcorp Genetics (formerly Invitae), Labcorp
Classification: Uncertain significance. Last evaluated: 2023-12-19. Review status: criteria provided, single submitter. Criteria: Invitae Variant Classification Sherloc (09022015). Collection method: clinical testing. Allele origin: germline.
Comment: This sequence change replaces arginine, which is basic and polar, with threonine, which is neutral and polar, at codon 184 of the SLC7A13 protein (p.Arg184Thr). This variant is not present in population databases (gnomAD no frequency). This variant has not been reported in the literature in individuals affected with SLC7A13-related conditions. Algorithms developed to predict the effect of missense changes on protein structure and function output the following: SIFT: "Not Available"; PolyPhen-2: "Benign"; Align-GVGD: "Not Available". The threonine amino acid residue is found in multiple mammalian species, which suggests that this missense change does not adversely affect protein function. In summary, the available evidence is currently insufficient to determine the role of this variant in disease. Therefore, it has been classified as a Variant of Uncertain Significance.